The following is an entry in ClinVar:

NM_033343.4(LHX4):c.251G>A (p.Arg84His)

Gene: LHX4 (LIM homeobox 4; plus strand). Cytogenetic location: 1q25.2.
Variant type: single nucleotide variant.
Coding change: c.251G>A on transcript NM_033343.4 (MANE Select); coding-DNA position 251, G replaced by A.
Protein change: p.Arg84His; replaces arginine 84 with histidine.
Molecular consequence: missense variant.
Genome position (GRCh38, 1-based): chr1:180,266,394, G>A. VCF-style: chr1-180266394-G-A. GRCh37 (hg19) VCF-style: chr1-180235529-G-A.
Other names: short protein forms R84H.
Identifiers: ClinVar variation 1450590 (VCV001450590.8), dbSNP rs374124070, ClinGen allele CA1271848.
Genomic context (GRCh38, chr1:180,266,394, plus strand): 5'-GGGGAAGCCAGATCCCTTGCTCCCTGTGTGCCCTAATCCTTTCCTGCTGCCCTGACAGGC[G>A]CTTCGGCACAAAATGCACGGCCTGCCAGCAGGGTATCCCCCCAACCCAGGTGGTCCGCAA-3'
Protein context (NP_203129.1, residues 74-94): SVYCKEDFFK[Arg84His]FGTKCTACQQ

ClinVar aggregate classification (germline): Uncertain significance (1 of 4 stars; one submission).

Allele frequency attached by ClinVar (database versions not stated): gnomAD exomes 0.00004 and 0.00005; ExAC 0.00005; gnomAD 0.00008 and 0.00009; ESP Exome Variant Server 0.00015; TOPMed 0.00016.

Submission:

Labcorp Genetics (formerly Invitae), Labcorp
Classification: Uncertain significance. Last evaluated: 2021-06-02. Review status: criteria provided, single submitter. Criteria: Invitae Variant Classification Sherloc (09022015). Collection method: clinical testing. Allele origin: germline.
Comment: This sequence change replaces arginine with histidine at codon 84 of the LHX4 protein (p.Arg84His). The arginine residue is highly conserved and there is a small physicochemical difference between arginine and histidine. This variant is present in population databases (rs374124070, ExAC 0.01%). This variant has not been reported in the literature in individuals with LHX4-related conditions. Algorithms developed to predict the effect of missense changes on protein structure and function are either unavailable or do not agree on the potential impact of this missense change (SIFT: "Deleterious"; PolyPhen-2: "Benign"; Align-GVGD: "Class C25"). In summary, the available evidence is currently insufficient to determine the role of this variant in disease. Therefore, it has been classified as a Variant of Uncertain Significance.